The following is an entry in ClinVar:

ClinVar aggregate classification (germline): Pathogenic (1 of 4 stars; one submission).

Conditions:
Mucopolysaccharidosis, MPS-II (MPS2). Also called: Hunter Syndrome; IDURONATE 2-SULFATASE DEFICIENCY; Mucopolysaccharidosis Type II; Mucopolysaccharidosis type 2; Attenuated MPS (subtype; formerly known as mild MPS II); Severe MPS II. Identifiers: Orphanet 580, Orphanet 79388, MedGen C0026705, MONDO:0010674, OMIM 309900.

Submission:

Laboratory of Diagnosis and Therapy of Lysosomal Disorders, University of Padova
Classification: Pathogenic for Mucopolysaccharidosis, MPS-II. Last evaluated: 2024-06-07. Review status: criteria provided, single submitter. Criteria: ACMG Guidelines, 2015. Collection method: literature only. Allele origin: germline. Affected: yes. Observed: 1 variant allele.
Comment: Located in a mutational hot spot and/or critical functional domain (PM1_Moderate), Absent from controls (or at low frequency) in gnomAD database (PM2_Moderate), Missense variant in a gene with a low rate of benign missense variation (PP2_Supporting), Multiple lines of computational evidence support a deleterious effect (PP3_Supporting), Patient’s phenotype or family history highly specific for the disease (PP4_Strong)

Classification method: ACMG Guidelines [PMID:25741868] with modifications

Literature cited by the submitters: PubMed 7728156.

NM_000202.8(IDS):c.405A>T (p.Lys135Asn)

Gene: IDS (iduronate 2-sulfatase; minus strand). Cytogenetic location: Xq28.
Variant type: single nucleotide variant.
Coding change: c.405A>T on transcript NM_000202.8 (MANE Select); coding-DNA position 405, A replaced by T.
Protein change: p.Lys135Asn; replaces lysine 135 with asparagine.
Molecular consequence: missense variant. On other transcripts: non-coding transcript variant (1).
Genome position (GRCh38, 1-based): chrX:149,503,325, T>A on the plus strand (A>T on the coding strand, the complement: IDS is on the minus strand). VCF-style: chrX-149503325-T-A. GRCh37 (hg19) VCF-style: chrX-148584855-T-A.
Other names: c.135A>T, p.Lys45Asn (NM_001166550.4); c.405A>T, p.Lys135Asn (NM_006123.5); short protein forms K135N, K45N.
Identifiers: ClinVar variation 3255701 (VCV003255701.2).